The following is an entry in ClinVar:

ClinVar aggregate classification (germline): Uncertain significance (1 of 4 stars; one submission).

Allele frequency attached by ClinVar (database versions not stated): gnomAD exomes below 0.00001.
gnomAD v4.1: 6 of 1,613,854 alleles (0.00037%); highest among the groups gnomAD compares: Non-Finnish European, 0.00042%; no homozygotes.

Submission:

Labcorp Genetics (formerly Invitae), Labcorp
Classification: Uncertain significance. Last evaluated: 2023-05-23. Review status: criteria provided, single submitter. Criteria: Invitae Variant Classification Sherloc (09022015). Collection method: clinical testing. Allele origin: germline.
Comment: Experimental studies and prediction algorithms are not available or were not evaluated, and the functional significance of this variant is currently unknown. Algorithms developed to predict the effect of sequence changes on RNA splicing suggest that this variant is not likely to affect RNA splicing. In summary, the available evidence is currently insufficient to determine the role of this variant in disease. Therefore, it has been classified as a Variant of Uncertain Significance. The TCF3 gene has multiple clinically relevant transcripts. This variant occurs in alternate transcript NM_001136139.3, and corresponds to NM_003200.4:c.1823-448A>C in the primary transcript. This sequence change replaces methionine, which is neutral and non-polar, with leucine, which is neutral and non-polar, at codon 575 of the TCF3 protein (p.Met575Leu). This variant is present in population databases (no rsID available, gnomAD 0.0009%). This variant has not been reported in the literature in individuals affected with TCF3-related conditions. ClinVar contains an entry for this variant (Variation ID: 1099276).

NM_001136139.4(TCF3):c.1723A>C (p.Met575Leu)

Gene: TCF3 (transcription factor 3; minus strand). Cytogenetic location: 19p13.3.
Variant type: single nucleotide variant.
Coding change: c.1723A>C on transcript NM_001136139.4 (MANE Plus Clinical); coding-DNA position 1723, A replaced by C.
Protein change: p.Met575Leu; replaces methionine 575 with leucine.
Molecular consequence: missense variant. On other transcripts: intron variant (2).
Genome position (GRCh38, 1-based): chr19:1,612,297, T>G on the plus strand (A>C on the coding strand, the complement: TCF3 is on the minus strand). VCF-style: chr19-1612297-T-G. GRCh37 (hg19) VCF-style: chr19-1612296-T-G.
Other names: c.1723A>C, p.Met575Leu (NM_001351779.2); c.1820-448A>C (NM_001351778.2); c.1823-448A>C (NM_003200.5); short protein forms M575L.
Identifiers: ClinVar variation 1099276 (VCV001099276.9), dbSNP rs1256326236, ClinGen allele CA403048628.
Genomic context (GRCh38, chr19:1,612,297, plus strand): 5'-CCTGCACGGCCTGCTGCAGGATGAGCAGCTTGGTCTGCGCTTTGTCCGACTTGAGGTGCA[T>G]CTGGCACATGCGCCCCAGCTCCCGGAAGGCCTCGTTAATATCCCGCACGCGCACCCGCTC-3'
Protein context (NP_001129611.1, residues 565-585): AFRELGRMCQ[Met575Leu]HLKSDKAQTK